The following is an entry in ClinVar:

ClinVar aggregate classification (germline): Uncertain significance. Review status: criteria provided, multiple submitters, no conflicts (2 of 4 stars). 2 submissions from 2 submitters: Uncertain significance (2). Last evaluated 2022-03-26.

Conditions:
Long QT syndrome (LQTS). Identifiers: MedGen C0023976, MeSH D008133, MONDO:0002442. Disease mechanism: loss of function. Inheritance: Various modes of inheritance.

Allele frequency attached by ClinVar (database versions not stated): gnomAD exomes below 0.00001.
gnomAD v4.1: 7 of 1,614,182 alleles (0.00043%); highest among the groups gnomAD compares: Non-Finnish European, 0.00059%; no homozygotes.

Submissions (2):

GeneDx
Classification: Uncertain significance. Last evaluated: 2022-03-26. Review status: criteria provided, single submitter. Criteria: GeneDx Variant Classification Process June 2021. Collection method: clinical testing. Allele origin: germline. Affected: yes.
Comment: Reported in individuals with a neurodevelopmental disorder in the published literature, however, detailed clinical information was not provided (Wang et al., 2020; Guo et al., 2018); Not observed at significant frequency in large population cohorts (gnomAD); In silico analysis supports that this missense variant has a deleterious effect on protein structure/function; This variant is associated with the following publications: (PMID: 32821428, 33004838, 30564305)

Labcorp Genetics (formerly Invitae), Labcorp
Classification: Uncertain significance for Long QT syndrome. Last evaluated: 2021-04-07. Review status: criteria provided, single submitter. Criteria: Invitae Variant Classification Sherloc (09022015). Collection method: clinical testing. Allele origin: germline.
Comment: In summary, the available evidence is currently insufficient to determine the role of this variant in disease. Therefore, it has been classified as a Variant of Uncertain Significance. Algorithms developed to predict the effect of missense changes on protein structure and function are either unavailable or do not agree on the potential impact of this missense change (SIFT: "Tolerated"; PolyPhen-2: "Probably Damaging"; Align-GVGD: "Class C0"). This variant has not been reported in the literature in individuals with ANK2-related disease. This variant is not present in population databases (ExAC no frequency). This sequence change replaces alanine with valine at codon 525 of the ANK2 protein (p.Ala525Val). The alanine residue is highly conserved and there is a small physicochemical difference between alanine and valine.

NM_001148.6(ANK2):c.1574C>T (p.Ala525Val)

Gene: ANK2 (ankyrin 2; plus strand). Cytogenetic location: 4q26.
Variant type: single nucleotide variant.
Coding change: c.1574C>T on transcript NM_001148.6 (MANE Select); coding-DNA position 1574, C replaced by T.
Protein change: p.Ala525Val; replaces alanine 525 with valine.
Molecular consequence: missense variant.
Genome position (GRCh38, 1-based): chr4:113,274,540, C>T. VCF-style: chr4-113274540-C-T. GRCh37 (hg19) VCF-style: chr4-114195696-C-T.
Other names: c.1511C>T, p.Ala504Val (NM_001127493.3, NM_001354239.2, NM_001354243.2 and 14 more transcripts); c.1574C>T, p.Ala525Val (NM_001354225.2, NM_001354228.2, NM_001354232.2 and 8 more transcripts); c.1619C>T, p.Ala540Val (NM_001354230.2, NM_001354231.2, NM_001354237.2 and 5 more transcripts); c.1487C>T, p.Ala496Val (NM_001354249.2, NM_001354260.2, NM_001354264.2 and 13 more transcripts); c.1532C>T, p.Ala511Val (NM_001354261.2, NM_001386147.1, NM_001386160.1); c.1364C>T, p.Ala455Val (NM_001354269.3); c.1376C>T, p.Ala459Val (NM_001354273.2); c.1289C>T, p.Ala430Val (NM_001354277.2, NM_001386157.1, NM_001386158.1); and 4 more; short protein forms A504V, A525V, A455V, A540V, A430V, A459V, A496V, A511V.
Identifiers: ClinVar variation 572899 (VCV000572899.7), dbSNP rs1198719430, ClinGen allele CA357907328.